The following is an entry in ClinVar:

ClinVar aggregate classification (germline): Benign/Likely benign. Review status: criteria provided, multiple submitters, no conflicts (2 of 4 stars). 3 submissions from 3 submitters: Benign (1); Likely benign (1). 1 of the submissions does not count toward it. Last evaluated 2022-02-15.

Conditions:
ALPK2-related disorder. Also called: ALPK2-related condition.

Allele frequency attached by ClinVar (database versions not stated): gnomAD 0.00006 and 0.00056; ESP Exome Variant Server 0.00008; TOPMed 0.00013; gnomAD exomes 0.00114 and 0.00241; ExAC 0.00268; 1000 Genomes Project 30x 0.00406; 1000 Genomes Project 0.00459.
gnomAD v4.1: 1,782 of 1,614,228 alleles (0.11%); highest among the groups gnomAD compares: South Asian, 1.7%; 35 homozygotes.

Submissions (3):

Ambry Genetics
Classification: Likely benign. Last evaluated: 2022-02-15. Review status: criteria provided, single submitter. Criteria: Ambry Variant Classification Scheme 2023. Collection method: clinical testing. Allele origin: germline.

Labcorp Genetics (formerly Invitae), Labcorp
Classification: Benign. Last evaluated: 2017-06-28. Review status: criteria provided, single submitter. Criteria: Invitae Variant Classification Sherloc (09022015). Collection method: clinical testing. Allele origin: germline.

PreventionGenetics, part of Exact Sciences
Classification: Likely benign for ALPK2-related condition. Last evaluated: 2019-02-21. Review status: no assertion criteria provided. Collection method: clinical testing. Allele origin: germline. Not counted in ClinVar's aggregate classification.
Comment: This variant is classified as likely benign based on ACMG/AMP sequence variant interpretation guidelines (Richards et al. 2015 PMID: 25741868, with internal and published modifications).

NM_052947.4(ALPK2):c.6168A>G (p.Glu2056=)

Gene: ALPK2 (alpha kinase 2; minus strand). Cytogenetic location: 18q21.31.
Variant type: single nucleotide variant.
Coding change: c.6168A>G on transcript NM_052947.4 (MANE Select); coding-DNA position 6168, A replaced by G.
Protein change: p.Glu2056=; no amino-acid change (glutamic acid 2056 retained).
Molecular consequence: synonymous variant.
Genome position (GRCh38, 1-based): chr18:58,504,010, T>C on the plus strand (A>G on the coding strand, the complement: ALPK2 is on the minus strand). VCF-style: chr18-58504010-T-C. GRCh37 (hg19) VCF-style: chr18-56171242-T-C.
Identifiers: ClinVar variation 788135 (VCV000788135.7), dbSNP rs376556815, ClinGen allele CA8976242.